The following is an entry in ClinVar:

ClinVar aggregate classification (germline): Uncertain significance (1 of 4 stars; one submission).

Conditions:
Osteogenesis imperfecta type I (OI1). Also called: Lobstein disease; OI, TYPE I; OSTEOGENESIS IMPERFECTA TARDA; OSTEOGENESIS IMPERFECTA WITH BLUE SCLERAE; Osteogenesis imperfecta type 1; Lobstein's Disease. Identifiers: Orphanet 216796, Orphanet 666, MedGen C0023931, MONDO:0008146, OMIM 166200. Disease mechanism: loss of function.
Ehlers-Danlos syndrome, classic type, 1 (EDSCL1). Also called: EDS I; EHLERS-DANLOS SYNDROME, GRAVIS TYPE; EHLERS-DANLOS SYNDROME, SEVERE CLASSIC TYPE; Ehlers-Danlos syndrome, type 1; Ehlers-Danlos Syndrome, Classic Type, COL5A1-Related. Identifiers: MedGen C0268335, MONDO:0019567, OMIM 130000.

Allele frequency attached by ClinVar (database versions not stated): gnomAD exomes 0.00001; gnomAD 0.00001; TOPMed 0.00004; ExAC 0.00003.
gnomAD v4.1: 12 of 1,612,370 alleles (0.00074%); highest among the groups gnomAD compares: East Asian, 0.027%; no homozygotes.

Submission:

Labcorp Genetics (formerly Invitae), Labcorp
Classification: Uncertain significance for Osteogenesis imperfecta type I; Ehlers-Danlos syndrome, classic type, 1. Last evaluated: 2025-11-04. Review status: criteria provided, single submitter. Criteria: Invitae Variant Classification Sherloc (09022015). Collection method: clinical testing. Allele origin: germline.
Comment: This sequence change replaces valine, which is neutral and non-polar, with methionine, which is neutral and non-polar, at codon 1245 of the COL1A2 protein (p.Val1245Met). This variant is present in population databases (rs776176503, gnomAD 0.04%). This missense change has been observed in individual(s) with aortic dissection and/or osteogenesis imperfecta (PMID: 32154576, 37270749). ClinVar contains an entry for this variant (Variation ID: 2952148). Invitae Evidence Modeling of protein sequence and biophysical properties (such as structural, functional, and spatial information, amino acid conservation, physicochemical variation, residue mobility, and thermodynamic stability) indicates that this missense variant is not expected to disrupt COL1A2 protein function with a negative predictive value of 80%. In summary, the available evidence is currently insufficient to determine the role of this variant in disease. Therefore, it has been classified as a Variant of Uncertain Significance.

Literature cited by the submitters: PubMed 32154576; PubMed 37270749.

NM_000089.4(COL1A2):c.3733G>A (p.Val1245Met)

Gene: COL1A2 (collagen type I alpha 2 chain; plus strand). Cytogenetic location: 7q21.3.
Variant type: single nucleotide variant.
Coding change: c.3733G>A on transcript NM_000089.4 (MANE Select); coding-DNA position 3733, G replaced by A.
Protein change: p.Val1245Met; replaces valine 1245 with methionine.
Molecular consequence: missense variant.
Genome position (GRCh38, 1-based): chr7:94,429,209, G>A. VCF-style: chr7-94429209-G-A. GRCh37 (hg19) VCF-style: chr7-94058521-G-A.
Other names: short protein forms V1245M.
Identifiers: ClinVar variation 2952148 (VCV002952148.3), dbSNP rs776176503, ClinGen allele CA4347845.